The following is an entry in ClinVar:

ClinVar aggregate classification (germline): Pathogenic (1 of 4 stars; one submission).

Submission:

Labcorp Genetics (formerly Invitae), Labcorp
Classification: Pathogenic. Last evaluated: 2023-01-18. Review status: criteria provided, single submitter. Criteria: Invitae Variant Classification Sherloc (09022015). Collection method: clinical testing. Allele origin: germline.
Comment: For these reasons, this variant has been classified as Pathogenic. This variant has not been reported in the literature in individuals affected with USH2A-related conditions. This variant is not present in population databases (gnomAD no frequency). This sequence change creates a premature translational stop signal (p.Ser1066Lysfs*13) in the USH2A gene. It is expected to result in an absent or disrupted protein product. Loss-of-function variants in USH2A are known to be pathogenic (PMID: 10729113, 10909849, 20507924, 25649381).

Literature cited by the submitters: PubMed 10729113; PubMed 10909849; PubMed 20507924; PubMed 25649381.

NM_206933.4(USH2A):c.3196dup (p.Ser1066fs)

Genes: USH2A (usherin; minus strand), USH2A-AS1 (USH2A antisense RNA 1; plus strand). Cytogenetic location: 1q41.
Variant type: Duplication.
Coding change: c.3196dup on transcript NM_206933.4 (MANE Select); coding-DNA position 3196, one base duplicated (A; older notation c.3196dupA).
Protein change: p.Ser1066fs; shifts the reading frame from serine 1066.
Molecular consequence: frameshift variant.
Genome position (GRCh38, 1-based): chr1:216,207,393, T duplicated on the plus strand (A on the coding strand, the reverse complement: USH2A is on the minus strand); the first of 3 consecutive T bases (chr1:216,207,393-216,207,395); duplicating any one gives the same sequence. VCF-style (leftmost placement, unchanged base first): chr1-216207392-C-CT. GRCh37 (hg19) VCF-style: chr1-216380734-C-CT.
Other names: c.3196dup, p.Ser1066fs (NM_007123.6); short protein forms S1066fs.
Identifiers: ClinVar variation 2075425 (VCV002075425.4), dbSNP rs2528065738, ClinGen allele CA2580062125.